The following is an entry in ClinVar:

ClinVar aggregate classification (germline): Uncertain significance (1 of 4 stars; one submission).

Conditions:
Aortic aneurysm, familial thoracic 7 (AAT7). Also called: AORTIC DISSECTION, FAMILIAL, WITH OR WITHOUT AORTIC ANEURYSM. Identifiers: MedGen C3151077, MONDO:0013418, OMIM 613780.

gnomAD v4.1: 1 of 1,605,658 alleles (0.000062%); no homozygotes.

Submission:

Labcorp Genetics (formerly Invitae), Labcorp
Classification: Uncertain significance for Aortic aneurysm, familial thoracic 7. Last evaluated: 2022-09-25. Review status: criteria provided, single submitter. Criteria: Invitae Variant Classification Sherloc (09022015). Collection method: clinical testing. Allele origin: germline.
Comment: This sequence change replaces cysteine, which is neutral and slightly polar, with serine, which is neutral and polar, at codon 297 of the MYLK protein (p.Cys297Ser). This variant is not present in population databases (gnomAD no frequency). This variant has not been reported in the literature in individuals affected with MYLK-related conditions. Advanced modeling of protein sequence and biophysical properties (such as structural, functional, and spatial information, amino acid conservation, physicochemical variation, residue mobility, and thermodynamic stability) performed at Invitae indicates that this missense variant is not expected to disrupt MYLK protein function. In summary, the available evidence is currently insufficient to determine the role of this variant in disease. Therefore, it has been classified as a Variant of Uncertain Significance.

NM_053025.4(MYLK):c.890G>C (p.Cys297Ser)

Gene: MYLK (myosin light chain kinase; minus strand). Cytogenetic location: 3q21.1.
Variant type: single nucleotide variant.
Coding change: c.890G>C on transcript NM_053025.4 (MANE Select); coding-DNA position 890, G replaced by C.
Protein change: p.Cys297Ser; replaces cysteine 297 with serine.
Molecular consequence: missense variant.
Genome position (GRCh38, 1-based): chr3:123,734,106, C>G on the plus strand (G>C on the coding strand, the complement: MYLK is on the minus strand). VCF-style: chr3-123734106-C-G. GRCh37 (hg19) VCF-style: chr3-123452953-C-G.
Other names: c.362G>C, p.Cys121Ser (NM_001321309.2); c.890G>C, p.Cys297Ser (NM_053026.4, NM_053027.4, NM_053028.4); short protein forms C121S, C297S.
Identifiers: ClinVar variation 1720351 (VCV001720351.5), dbSNP rs1339659597, ClinGen allele CA354239930.